The following is an entry in ClinVar:

ClinVar aggregate classification (germline): Conflicting classifications of pathogenicity. Review status: criteria provided, conflicting classifications (1 of 4 stars). 2 submissions from 2 submitters: Uncertain significance (1); Likely benign (1). Last evaluated 2025-02-16.

Allele frequency attached by ClinVar (database versions not stated): gnomAD 0.00002; gnomAD exomes 0.00003; ESP Exome Variant Server 0.00008; TOPMed 0.00001; ExAC 0.00002.
gnomAD v4.1: 46 of 1,613,604 alleles (0.0029%); highest among the groups gnomAD compares: Non-Finnish European, 0.0036%; no homozygotes.

Submissions (2):

Laboratory of Genetics, Children's Clinical University Hospital Latvia
Classification: Likely benign. Last evaluated: 2025-02-16. Review status: criteria provided, single submitter. Criteria: ACMG Guidelines, 2015. Collection method: clinical testing. Allele origin: germline. Affected: yes.

Labcorp Genetics (formerly Invitae), Labcorp
Classification: Uncertain significance. Last evaluated: 2022-03-15. Review status: criteria provided, single submitter. Criteria: Invitae Variant Classification Sherloc (09022015). Collection method: clinical testing. Allele origin: germline.
Comment: In summary, the available evidence is currently insufficient to determine the role of this variant in disease. Therefore, it has been classified as a Variant of Uncertain Significance. Algorithms developed to predict the effect of missense changes on protein structure and function are either unavailable or do not agree on the potential impact of this missense change (SIFT: "Deleterious"; PolyPhen-2: "Benign"; Align-GVGD: "Class C0"). This variant has not been reported in the literature in individuals affected with TRRAP-related conditions. This variant is present in population databases (rs377327993, gnomAD 0.002%). This sequence change replaces isoleucine, which is neutral and non-polar, with threonine, which is neutral and polar, at codon 281 of the TRRAP protein (p.Ile281Thr).

NM_001375524.1(TRRAP):c.842T>C (p.Ile281Thr)

Gene: TRRAP (transformation/transcription domain associated protein; plus strand). Cytogenetic location: 7q22.1.
Variant type: single nucleotide variant.
Coding change: c.842T>C on transcript NM_001375524.1 (MANE Select); coding-DNA position 842, T replaced by C.
Protein change: p.Ile281Thr; replaces isoleucine 281 with threonine.
Molecular consequence: missense variant.
Genome position (GRCh38, 1-based): chr7:98,900,665, T>C. VCF-style: chr7-98900665-T-C. GRCh37 (hg19) VCF-style: chr7-98498288-T-C.
Other names: c.842T>C, p.Ile281Thr (NM_001244580.2, NM_003496.4); short protein forms I281T.
Identifiers: ClinVar variation 1913069 (VCV001913069.6), dbSNP rs377327993, ClinGen allele CA4359375.